The following is an entry in ClinVar:

NM_001080467.3(MYO5B):c.5049A>T (p.Lys1683Asn)

Genes: MYO5B (myosin VB; minus strand), SNHG22 (small nucleolar RNA host gene 22; plus strand). Cytogenetic location: 18q21.1.
Variant type: single nucleotide variant.
Coding change: c.5049A>T on transcript NM_001080467.3 (MANE Select); coding-DNA position 5049, A replaced by T.
Protein change: p.Lys1683Asn; replaces lysine 1683 with asparagine.
Molecular consequence: missense variant.
Genome position (GRCh38, 1-based): chr18:49,837,606, T>A on the plus strand (A>T on the coding strand, the complement: MYO5B is on the minus strand). VCF-style: chr18-49837606-T-A. GRCh37 (hg19) VCF-style: chr18-47363976-T-A.
Other names: short protein forms K1683N.
Identifiers: ClinVar variation 1047130 (VCV001047130.8), dbSNP rs2024004434, ClinGen allele CA402421566.

ClinVar aggregate classification (germline): Uncertain significance (1 of 4 stars; one submission).

Submission:

Labcorp Genetics (formerly Invitae), Labcorp
Classification: Uncertain significance. Last evaluated: 2022-02-11. Review status: criteria provided, single submitter. Criteria: Invitae Variant Classification Sherloc (09022015). Collection method: clinical testing. Allele origin: germline.
Comment: Algorithms developed to predict the effect of missense changes on protein structure and function are either unavailable or do not agree on the potential impact of this missense change (SIFT: "Deleterious"; PolyPhen-2: "Possibly Damaging"; Align-GVGD: "Class C0"). In summary, the available evidence is currently insufficient to determine the role of this variant in disease. Therefore, it has been classified as a Variant of Uncertain Significance. This sequence change replaces lysine, which is basic and polar, with asparagine, which is neutral and polar, at codon 1683 of the MYO5B protein (p.Lys1683Asn). This variant is not present in population databases (gnomAD no frequency). This variant has not been reported in the literature in individuals affected with MYO5B-related conditions. ClinVar contains an entry for this variant (Variation ID: 1047130).